The following is an entry in ClinVar:

NM_024675.4(PALB2):c.1279G>C (p.Ala427Pro)

Gene: PALB2 (partner and localizer of BRCA2; minus strand). Cytogenetic location: 16p12.2.
Variant type: single nucleotide variant.
Coding change: c.1279G>C on transcript NM_024675.4 (MANE Select); coding-DNA position 1279, G replaced by C.
Protein change: p.Ala427Pro; replaces alanine 427 with proline.
Molecular consequence: missense variant.
Genome position (GRCh38, 1-based): chr16:23,635,267, C>G on the plus strand (G>C on the coding strand, the complement: PALB2 is on the minus strand). VCF-style: chr16-23635267-C-G. GRCh37 (hg19) VCF-style: chr16-23646588-C-G.
Other names: c.1219G>C, p.Ala407Pro (NM_001407296.1); c.1279G>C, p.Ala427Pro (NM_001407297.1, NM_001407298.1, NM_001407299.1 and 3 more transcripts); c.394G>C, p.Ala132Pro (NM_001407304.1, NM_001407305.1, NM_001407306.1 and 5 more transcripts); short protein forms A132P, A407P, A427P.
Identifiers: ClinVar variation 2118390 (VCV002118390.4), dbSNP rs2142420634, ClinGen allele CA395132593.

ClinVar aggregate classification (germline): Uncertain significance (1 of 4 stars; one submission).

Conditions:
Familial cancer of breast. Also called: hereditary breast carcinoma; BREAST CANCER, FAMILIAL; Hereditary breast cancer. Identifiers: Orphanet 227535, MedGen C0346153, MONDO:0016419, OMIM 114480. Disease mechanism: loss of function.

Submission:

Labcorp Genetics (formerly Invitae), Labcorp
Classification: Uncertain significance for Familial cancer of breast. Last evaluated: 2023-07-30. Review status: criteria provided, single submitter. Criteria: Invitae Variant Classification Sherloc (09022015). Collection method: clinical testing. Allele origin: germline.
Comment: In summary, the available evidence is currently insufficient to determine the role of this variant in disease. Therefore, it has been classified as a Variant of Uncertain Significance. Advanced modeling of protein sequence and biophysical properties (such as structural, functional, and spatial information, amino acid conservation, physicochemical variation, residue mobility, and thermodynamic stability) performed at Invitae indicates that this missense variant is expected to disrupt PALB2 protein function. ClinVar contains an entry for this variant (Variation ID: 2118390). This variant has not been reported in the literature in individuals affected with PALB2-related conditions. This variant is not present in population databases (gnomAD no frequency). This sequence change replaces alanine, which is neutral and non-polar, with proline, which is neutral and non-polar, at codon 427 of the PALB2 protein (p.Ala427Pro).